The following is an entry in ClinVar:

ClinVar aggregate classification (germline): Benign (1 of 4 stars; one submission).

Conditions:
Autosomal dominant striatal neurodegeneration type 1. Identifiers: Orphanet 228169, MedGen C4310808, MONDO:0012205, OMIM 609161.

Allele frequency attached by ClinVar (database versions not stated): gnomAD 0.00140; TOPMed 0.00158; 1000 Genomes Project 30x 0.00172; 1000 Genomes Project 0.00200.

Submission:

Illumina Laboratory Services, Illumina
Classification: Benign for Autosomal dominant striatal neurodegeneration type 1. Last evaluated: 2018-01-12. Review status: criteria provided, single submitter. Criteria: ICSL Variant Classification Criteria 13 December 2019. Collection method: clinical testing. Allele origin: germline.
Comment: This variant was observed in the ICSL laboratory as part of a predisposition screen in an ostensibly healthy population. It had not been previously curated by ICSL or reported in the Human Gene Mutation Database (HGMD: prior to June 1st, 2018), and was therefore a candidate for classification through an automated scoring system. Utilizing variant allele frequency, disease prevalence and penetrance estimates, and inheritance mode, an automated score was calculated to assess if this variant is too frequent to cause the disease. Based on the score and internal cut-off values, a variant classified as benign is not then subjected to further curation. The score for this variant resulted in a classification of benign for this disease.

NM_003719.5(PDE8B):c.*1213C>T

Gene: PDE8B (phosphodiesterase 8B; plus strand). Cytogenetic location: 5q13.3.
Variant type: single nucleotide variant.
Coding change: c.*1213C>T on transcript NM_003719.5 (MANE Select); 1213 bases downstream of the stop codon, C replaced by T.
Molecular consequence: 3 prime UTR variant.
Genome position (GRCh38, 1-based): chr5:77,427,767, C>T. VCF-style: chr5-77427767-C-T. GRCh37 (hg19) VCF-style: chr5-76723592-C-T.
Other names: c.*1213C>T (NM_001029851.4, NM_001029852.4, NM_001029853.4 and 19 more transcripts); c.*1299C>T (NM_001349751.3, NM_001376072.1).
Identifiers: ClinVar variation 354208 (VCV000354208.5), dbSNP rs187090647, ClinGen allele CA10625171.